The following is an entry in ClinVar:

ClinVar aggregate classification (germline): Uncertain significance (1 of 4 stars; one submission).

Conditions:
Cardiovascular phenotype. Identifiers: MedGen CN230736.

gnomAD v4.1: 6 of 1,613,476 alleles (0.00037%); highest among the groups gnomAD compares: South Asian, 0.0066%; no homozygotes.

Submission:

Ambry Genetics
Classification: Uncertain significance for Cardiovascular phenotype. Last evaluated: 2026-01-21. Review status: criteria provided, single submitter. Criteria: Ambry Variant Classification Scheme 2023. Collection method: clinical testing. Allele origin: germline.
Comment: The p.P71T variant (also known as c.211C>A), located in coding exon 5 of the COL1A2 gene, results from a C to A substitution at nucleotide position 211. The proline at codon 71 is replaced by threonine, an amino acid with highly similar properties. This amino acid position is conserved. In addition, the in silico prediction for this alteration is inconclusive. Based on the available evidence, the clinical significance of this variant remains unclear.

NM_000089.4(COL1A2):c.211C>A (p.Pro71Thr)

Gene: COL1A2 (collagen type I alpha 2 chain; plus strand). Cytogenetic location: 7q21.3.
Variant type: single nucleotide variant.
Coding change: c.211C>A on transcript NM_000089.4 (MANE Select); coding-DNA position 211, C replaced by A.
Protein change: p.Pro71Thr; replaces proline 71 with threonine.
Molecular consequence: missense variant.
Genome position (GRCh38, 1-based): chr7:94,400,274, C>A. VCF-style: chr7-94400274-C-A. GRCh37 (hg19) VCF-style: chr7-94029586-C-A.
Other names: short protein forms P71T.
Identifiers: ClinVar variation 4824776 (VCV004824776.1).